The following is an entry in ClinVar:

ClinVar aggregate classification (germline): Pathogenic (1 of 4 stars; one submission).

Conditions:
Duchenne muscular dystrophy (DMD). Also called: Duchenne Muscular Dystrophy (DMD); MUSCULAR DYSTROPHY, PSEUDOHYPERTROPHIC PROGRESSIVE, DUCHENNE TYPE. Identifiers: Orphanet 98896, MedGen C0013264, MONDO:0010679, OMIM 310200.

Submission:

Labcorp Genetics (formerly Invitae), Labcorp
Classification: Pathogenic for Duchenne muscular dystrophy. Last evaluated: 2019-09-23. Review status: criteria provided, single submitter. Criteria: Invitae Variant Classification Sherloc (09022015). Collection method: clinical testing. Allele origin: germline.
Comment: This variant is a gross duplication of the genomic region encompassing exons 10-11 of the DMD gene. While the exact position of the duplicated exons cannot be determined from this data, sub-genic duplications are generally in tandem (PMID: 25640679) and may result in an absent or disrupted protein product. Similar duplications have been reported in several individuals affected with muscular dystrophy (PMID: 16917894, 18752307, 28181689). Loss-of-function variants in DMD are known to be pathogenic (PMID: 16770791, 25007885). For these reasons, this variant has been classified as Pathogenic.

Literature cited by the submitters: PubMed 18752307; PubMed 28181689; PubMed 16917894.

NC_000023.11:g.(?_32644122)_(32645162_?)dup

Gene: DMD (dystrophin; minus strand). Cytogenetic location: Xp21.1.
Variant type: Duplication.
Identifiers: ClinVar variation 832129 (VCV000832129.1).